The following is an entry in ClinVar:

ClinVar aggregate classification (germline): Uncertain significance (1 of 4 stars; one submission).

Conditions:
Treacher Collins syndrome 1 (TCS1). Also called: TCOF1-Related Treacher Collins Syndrome. Identifiers: Orphanet 861, MedGen CN315775, MONDO:0007944, OMIM 154500.

Submission:

Labcorp Genetics (formerly Invitae), Labcorp
Classification: Uncertain significance for Treacher Collins syndrome 1. Last evaluated: 2021-05-28. Review status: criteria provided, single submitter. Criteria: Invitae Variant Classification Sherloc (09022015). Collection method: clinical testing. Allele origin: germline.
Comment: In summary, the available evidence is currently insufficient to determine the role of this variant in disease. Therefore, it has been classified as a Variant of Uncertain Significance. Algorithms developed to predict the effect of sequence changes on RNA splicing suggest that this variant may create or strengthen a splice site, but this prediction has not been confirmed by published transcriptional studies. Algorithms developed to predict the effect of missense changes on protein structure and function output the following: SIFT: "Deleterious"; PolyPhen-2: "Benign"; Align-GVGD: "Class C0". The glycine amino acid residue is found in multiple mammalian species, suggesting that this missense change does not adversely affect protein function. These predictions have not been confirmed by published functional studies and their clinical significance is uncertain. This variant has not been reported in the literature in individuals with TCOF1-related conditions. This variant is not present in population databases (ExAC no frequency). This sequence change replaces serine with glycine at codon 1085 of the TCOF1 protein (p.Ser1085Gly). The serine residue is weakly conserved and there is a small physicochemical difference between serine and glycine.

NM_001371623.1(TCOF1):c.3253A>G (p.Ser1085Gly)

Gene: TCOF1 (treacle ribosome biogenesis factor 1; plus strand). Cytogenetic location: 5q32.
Variant type: single nucleotide variant.
Coding change: c.3253A>G on transcript NM_001371623.1 (MANE Select); coding-DNA position 3253, A replaced by G.
Protein change: p.Ser1085Gly; replaces serine 1085 with glycine.
Molecular consequence: missense variant. On other transcripts: intron variant (2).
Genome position (GRCh38, 1-based): chr5:150,391,613, A>G. VCF-style: chr5-150391613-A-G. GRCh37 (hg19) VCF-style: chr5-149771176-A-G.
Other names: c.3022A>G, p.Ser1008Gly (NM_000356.4, NM_001135245.2); c.3253A>G, p.Ser1085Gly (NM_001135243.2); c.3184-344A>G (NM_001135244.2, NM_001195141.2); short protein forms S1085G, S1008G.
Identifiers: ClinVar variation 1397900 (VCV001397900.8), dbSNP rs2151031928, ClinGen allele CA361735701.
Genomic context (GRCh38, chr5:150,391,613, plus strand): 5'-AAGAACCCAGCTTCCCTCCCACTGACCCAGGCTGCCCTGAAGGTCCTCGCCCAGAAAGCC[A>G]GTGAGGCTCAGCCTCCTGTTGCCAGGACCCAGCCTTCAAGTGGGGTGAGCTTGGGGAGCC-3'
Protein context (NP_001358552.1, residues 1075-1095): AALKVLAQKA[Ser1085Gly]EAQPPVARTQ